The following is an entry in ClinVar:

NM_000222.3(KIT):c.671G>A (p.Arg224Lys)

Gene: KIT (KIT proto-oncogene, receptor tyrosine kinase; plus strand). Cytogenetic location: 4q12.
Variant type: single nucleotide variant.
Coding change: c.671G>A on transcript NM_000222.3 (MANE Select); coding-DNA position 671, G replaced by A.
Protein change: p.Arg224Lys; replaces arginine 224 with lysine.
Molecular consequence: missense variant.
Genome position (GRCh38, 1-based): chr4:54,699,681, G>A. VCF-style: chr4-54699681-G-A. GRCh37 (hg19) VCF-style: chr4-55565847-G-A.
Other names: c.671G>A, p.Arg224Lys (NM_001093772.2, NM_001385284.1, NM_001385285.1 and 4 more transcripts); short protein forms R224K.
Identifiers: ClinVar variation 5002878 (VCV005002878.1).

ClinVar aggregate classification (germline): Uncertain significance (1 of 4 stars; one submission).

Conditions:
Germ cell tumor of testis (TGCT). Also called: GERM CELL TUMOR, SOMATIC; Testicular germ cell tumor. Identifiers: Orphanet 363504, MedGen C1336708, MONDO:0010108, OMIM 273300.

Submission:

OLLIN Analises Genomicas, OLLIN
Classification: Uncertain significance for Germ cell tumor of testis. Last evaluated: 2026-08-06. Review status: criteria provided, single submitter. Criteria: ACMG Guidelines 2015 PMID 25741868. Collection method: clinical testing. Allele origin: germline.
Comment: This missense variant, located in exon 4 (of 21), is absent from gnomAD and ClinVar and has not been identified in the literature. In silico analysis predicts that this variant has a tolerated effect. According to the currently available evidence, this variant has been classified as uncertain significance (PM2_P, BP4_M).